The following is an entry in ClinVar:

ClinVar aggregate classification (germline): Uncertain significance (1 of 4 stars; one submission).

Submission:

GeneDx
Classification: Uncertain significance. Last evaluated: 2025-07-17. Review status: criteria provided, single submitter. Criteria: GeneDx Variant Classification Process June 2021. Collection method: clinical testing. Allele origin: germline. Affected: yes.
Comment: Not observed at significant frequency in large population cohorts (gnomAD); In silico analysis supports that this missense variant has a deleterious effect on protein structure/function; Has not been previously published as pathogenic or benign to our knowledge

NM_207037.2(TCF12):c.37A>C (p.Thr13Pro)

Gene: TCF12 (transcription factor 12; plus strand). Cytogenetic location: 15q21.3.
Variant type: single nucleotide variant.
Coding change: c.37A>C on transcript NM_207037.2 (MANE Select); coding-DNA position 37, A replaced by C.
Protein change: p.Thr13Pro; replaces threonine 13 with proline.
Molecular consequence: missense variant. On other transcripts: 5 prime UTR variant (3).
Genome position (GRCh38, 1-based): chr15:56,919,950, A>C. VCF-style: chr15-56919950-A-C. GRCh37 (hg19) VCF-style: chr15-57212148-A-C.
Other names: c.37A>C, p.Thr13Pro (NM_001322151.2, NM_001322152.2, NM_001322157.3 and 8 more transcripts); c.-616A>C (NM_001322154.2); c.-200A>C (NM_001322156.2, NM_001322158.2); short protein forms T13P.
Identifiers: ClinVar variation 4686530 (VCV004686530.1).